The following is an entry in ClinVar:

NM_000535.7(PMS2):c.885G>T (p.Arg295=)

Gene: PMS2 (PMS1 homolog 2, mismatch repair system component; minus strand). Cytogenetic location: 7p22.1.
Variant type: single nucleotide variant.
Coding change: c.885G>T on transcript NM_000535.7 (MANE Select); coding-DNA position 885, G replaced by T.
Protein change: p.Arg295=; no amino-acid change (arginine 295 retained).
Molecular consequence: synonymous variant. On other transcripts: 5 prime UTR variant (2), non-coding transcript variant (1).
Genome position (GRCh38, 1-based): chr7:5,995,552, C>A on the plus strand (G>T on the coding strand, the complement: PMS2 is on the minus strand). VCF-style: chr7-5995552-C-A. GRCh37 (hg19) VCF-style: chr7-6035183-C-A.
Other names: c.480G>T, p.Arg160= (NM_001322003.2, NM_001322004.2, NM_001322005.2 and 2 more transcripts); c.885G>T, p.Arg295= (NM_001322006.2, NM_001322014.2); c.567G>T, p.Arg189= (NM_001322007.2, NM_001322008.2); c.-49G>T (NM_001322011.2, NM_001322012.2); c.312G>T, p.Arg104= (NM_001322013.2); c.576G>T, p.Arg192= (NM_001322015.2).
Identifiers: ClinVar variation 237928 (VCV000237928.21), dbSNP rs786201615, ClinGen allele CA10582519.

ClinVar aggregate classification (germline): Benign/Likely benign. Review status: criteria provided, multiple submitters, no conflicts (2 of 4 stars). 6 submissions from 6 submitters: Benign (1); Likely benign (5). Last evaluated 2025-01-28.

Conditions:
Hereditary nonpolyposis colorectal neoplasms. Identifiers: MedGen C0009405, MeSH D003123.
Hereditary cancer-predisposing syndrome. Also called: Neoplastic Syndromes, Hereditary; Hereditary neoplastic syndrome; Tumor predisposition; Hereditary Cancer Syndrome. Identifiers: Orphanet 140162, MedGen C0027672, MeSH D009386, MONDO:0015356.
Lynch syndrome. Identifiers: Orphanet 144, MedGen C4552100, MONDO:0005835. Disease mechanism: loss of function.
Lynch syndrome 4 (LYNCH4). Also called: Hereditary non-polyposis colorectal cancer, type 4; Colorectal cancer, hereditary nonpolyposis, type 4. Identifiers: Orphanet 144, MedGen C1838333, MONDO:0013699, OMIM 614337. Disease mechanism: loss of function.

gnomAD v4.1: 1 of 1,613,518 alleles (0.000062%); highest among the groups gnomAD compares: Non-Finnish European, 0.000085%; no homozygotes.

Submissions (6):

Myriad Genetics, Inc.
Classification: Benign for Lynch syndrome 4. Last evaluated: 2025-01-28. Review status: criteria provided, single submitter. Criteria: Myriad Autosomal Dominant, Autosomal Recessive and X-Linked Classification Criteria (2023). Collection method: clinical testing. Allele origin: unknown.
Comment: This variant is considered benign. This variant is a silent/synonymous amino acid change and it is not expected to impact splicing.

Labcorp Genetics (formerly Invitae), Labcorp
Classification: Likely benign for Hereditary nonpolyposis colorectal neoplasms. Last evaluated: 2024-04-29. Review status: criteria provided, single submitter. Criteria: Invitae Variant Classification Sherloc (09022015). Collection method: clinical testing. Allele origin: germline.

All of Us Research Program, National Institutes of Health
Classification: Likely benign for Lynch syndrome. Last evaluated: 2023-06-26. Review status: criteria provided, single submitter. Criteria: ACMG Guidelines, 2015. Collection method: clinical testing. Allele origin: germline. Inheritance: Autosomal dominant inheritance. Observed: 1 variant allele, 1 heterozygote.
Comment: This study involves interpretation of variants in research participants for the purpose of population health screening. Participant phenotype was not available at the time of variant classification. Additional details can be found in publication PMID: 35346344, PMCID: PMC8962531

Quest Diagnostics Nichols Institute San Juan Capistrano
Classification: Likely benign. Last evaluated: 2023-04-12. Review status: criteria provided, single submitter. Criteria: Quest Diagnostics criteria. Collection method: clinical testing. Allele origin: unknown.

Ambry Genetics
Classification: Likely benign for Hereditary cancer-predisposing syndrome. Last evaluated: 2019-05-15. Review status: criteria provided, single submitter. Criteria: Ambry Variant Classification Scheme 2023. Collection method: clinical testing. Allele origin: germline.

Color Diagnostics, LLC DBA Color Health
Classification: Likely benign for Hereditary cancer-predisposing syndrome. Last evaluated: 2017-11-07. Review status: criteria provided, single submitter. Criteria: ACMG Guidelines, 2015. Collection method: clinical testing. Allele origin: germline.